The following is an entry in ClinVar:

NM_001042492.3(NF1):c.4456T>A (p.Cys1486Ser)

Gene: NF1 (neurofibromin 1; plus strand). Cytogenetic location: 17q11.2.
Variant type: single nucleotide variant.
Coding change: c.4456T>A on transcript NM_001042492.3 (MANE Select); coding-DNA position 4456, T replaced by A.
Protein change: p.Cys1486Ser; replaces cysteine 1486 with serine.
Molecular consequence: missense variant.
Genome position (GRCh38, 1-based): chr17:31,260,394, T>A. VCF-style: chr17-31260394-T-A. GRCh37 (hg19) VCF-style: chr17-29587412-T-A.
Other names: c.4393T>A, p.Cys1465Ser (NM_000267.4); short protein forms C1486S, C1465S.
Identifiers: ClinVar variation 1740245 (VCV001740245.3), dbSNP rs2151464571, ClinGen allele CA398999254.

ClinVar aggregate classification (germline): Uncertain significance. Review status: criteria provided, multiple submitters, no conflicts (2 of 4 stars). 2 submissions from 2 submitters: Uncertain significance (2). Last evaluated 2025-05-23.

Conditions:
Cardiovascular phenotype. Identifiers: MedGen CN230736.
Hereditary cancer-predisposing syndrome. Also called: Neoplastic Syndromes, Hereditary; Tumor predisposition; Hereditary Cancer Syndrome; Hereditary neoplastic syndrome. Identifiers: Orphanet 140162, MedGen C0027672, MeSH D009386, MONDO:0015356.
Neurofibromatosis, type 1 (NF1). Also called: VON RECKLINGHAUSEN DISEASE; NEUROFIBROMATOSIS, TYPE I, SOMATIC; Neurofibromatosis, type I; Peripheral type neurofibromatosis. Identifiers: Orphanet 636, MedGen C0027831, MONDO:0018975, OMIM 162200. Disease mechanism: loss of function.

Submissions (2):

Labcorp Genetics (formerly Invitae), Labcorp
Classification: Uncertain significance for Neurofibromatosis, type 1. Last evaluated: 2025-05-23. Review status: criteria provided, single submitter. Criteria: Invitae Variant Classification Sherloc (09022015). Collection method: clinical testing. Allele origin: germline.
Comment: This sequence change replaces cysteine, which is neutral and slightly polar, with serine, which is neutral and polar, at codon 1465 of the NF1 protein (p.Cys1465Ser). This variant is not present in population databases (gnomAD no frequency). This variant has not been reported in the literature in individuals affected with NF1-related conditions. ClinVar contains an entry for this variant (Variation ID: 1740245). Invitae Evidence Modeling of protein sequence and biophysical properties (such as structural, functional, and spatial information, amino acid conservation, physicochemical variation, residue mobility, and thermodynamic stability) indicates that this missense variant is not expected to disrupt NF1 protein function with a negative predictive value of 95%. In summary, the available evidence is currently insufficient to determine the role of this variant in disease. Therefore, it has been classified as a Variant of Uncertain Significance.

Ambry Genetics
Classification: Uncertain significance for Cardiovascular phenotype; Hereditary cancer-predisposing syndrome. Last evaluated: 2022-05-04. Review status: criteria provided, single submitter. Criteria: Ambry Variant Classification Scheme 2023. Collection method: clinical testing. Allele origin: germline.
Comment: The p.C1465S variant (also known as c.4393T>A), located in coding exon 33 of the NF1 gene, results from a T to A substitution at nucleotide position 4393. The cysteine at codon 1465 is replaced by serine, an amino acid with dissimilar properties. This amino acid position is conserved. In addition, this alteration is predicted to be tolerated by in silico analysis. Since supporting evidence is limited at this time, the clinical significance of this alteration remains unclear.